The following is an entry in ClinVar:

ClinVar aggregate classification (germline): Uncertain significance. Review status: criteria provided, multiple submitters, no conflicts (2 of 4 stars). 4 submissions from 4 submitters: Uncertain significance (4). Last evaluated 2025-12-11.

Conditions:
Cardiomyopathy (CMYO). Also called: Cardiomyopathies. Identifiers: Orphanet 167848, MedGen C0878544, MONDO:0004994, HP:0001638. Inheritance: Various modes of inheritance.
Cardiovascular phenotype. Identifiers: MedGen CN230736.
Catecholaminergic polymorphic ventricular tachycardia 1. Also called: VENTRICULAR TACHYCARDIA, CATECHOLAMINERGIC POLYMORPHIC, 1, WITH OR WITHOUT ATRIAL DYSFUNCTION AND/OR DILATED CARDIOMYOPATHY; VENTRICULAR TACHYCARDIA, STRESS-INDUCED POLYMORPHIC 1; RYR2-Related Catecholaminergic Polymorphic Ventricular Tachycardia. Identifiers: Orphanet 3286, MedGen C1631597, MONDO:0011484, OMIM 604772.

Allele frequency attached by ClinVar (database versions not stated): TOPMed 0.00001; gnomAD 0.00002.
gnomAD v4.1: 20 of 1,605,886 alleles (0.0012%); highest among the groups gnomAD compares: Non-Finnish European, 0.0016%; no homozygotes.

Submissions (4):

Women's Health and Genetics/Laboratory Corporation of America, LabCorp
Classification: Uncertain significance. Last evaluated: 2025-12-11. Review status: criteria provided, single submitter. Criteria: LabCorp Variant Classification Summary - May 2015. Collection method: clinical testing. Allele origin: germline.
Comment: Variant summary: RYR2 c.13597C>T (p.Leu4533Phe) results in a non-conservative amino acid change in the encoded protein sequence. Algorithms developed to predict the effect of missense changes on protein structure and function are either unavailable or do not agree on the potential impact of this missense change. The variant was absent in 236316 control chromosomes. The available data on variant occurrences in the general population are insufficient to allow any conclusion about variant significance. To our knowledge, no occurrence of c.13597C>T in individuals affected with RYR2-related conditions and no experimental evidence demonstrating its impact on protein function have been reported. ClinVar contains an entry for this variant (Variation ID: 1770753). Based on the evidence outlined above, the variant was classified as uncertain significance.

Color Diagnostics, LLC DBA Color Health
Classification: Uncertain significance for Cardiomyopathy. Last evaluated: 2025-06-23. Review status: criteria provided, single submitter. Criteria: ACMG Guidelines, 2015. Collection method: clinical testing. Allele origin: germline.
Comment: This missense variant replaces leucine with phenylalanine at codon 4533 of the RYR2 protein. Computational prediction suggests that this variant may not impact protein structure and function. To our knowledge, functional studies have not been reported for this variant. This variant has not been reported in individuals affected with RYR2-related disorders in the literature. This variant has not been identified in the general population by the Genome Aggregation Database (gnomAD). The available evidence is insufficient to determine the role of this variant in disease conclusively. Therefore, this variant is classified as a Variant of Uncertain Significance.

Labcorp Genetics (formerly Invitae), Labcorp
Classification: Uncertain significance for Catecholaminergic polymorphic ventricular tachycardia 1. Last evaluated: 2024-03-05. Review status: criteria provided, single submitter. Criteria: Invitae Variant Classification Sherloc (09022015). Collection method: clinical testing. Allele origin: germline.
Comment: This sequence change replaces leucine, which is neutral and non-polar, with phenylalanine, which is neutral and non-polar, at codon 4533 of the RYR2 protein (p.Leu4533Phe). This variant is not present in population databases (gnomAD no frequency). This variant has not been reported in the literature in individuals affected with RYR2-related conditions. ClinVar contains an entry for this variant (Variation ID: 1770753). Advanced modeling of protein sequence and biophysical properties (such as structural, functional, and spatial information, amino acid conservation, physicochemical variation, residue mobility, and thermodynamic stability) performed at Invitae indicates that this missense variant is not expected to disrupt RYR2 protein function with a negative predictive value of 95%. In summary, the available evidence is currently insufficient to determine the role of this variant in disease. Therefore, it has been classified as a Variant of Uncertain Significance.

Ambry Genetics
Classification: Uncertain significance for Cardiovascular phenotype. Last evaluated: 2022-07-25. Review status: criteria provided, single submitter. Criteria: Ambry Variant Classification Scheme 2023. Collection method: clinical testing. Allele origin: germline.
Comment: The p.L4533F variant (also known as c.13597C>T), located in coding exon 94 of the RYR2 gene, results from a C to T substitution at nucleotide position 13597. The leucine at codon 4533 is replaced by phenylalanine, an amino acid with highly similar properties. This amino acid position is not well conserved in available vertebrate species. In addition, this alteration is predicted to be tolerated by in silico analysis. Since supporting evidence is limited at this time, the clinical significance of this alteration remains unclear.

NM_001035.3(RYR2):c.13597C>T (p.Leu4533Phe)

Gene: RYR2 (ryanodine receptor 2; plus strand). Cytogenetic location: 1q43.
Variant type: single nucleotide variant.
Coding change: c.13597C>T on transcript NM_001035.3 (MANE Select); coding-DNA position 13597, C replaced by T.
Protein change: p.Leu4533Phe; replaces leucine 4533 with phenylalanine.
Molecular consequence: missense variant.
Genome position (GRCh38, 1-based): chr1:237,792,138, C>T. VCF-style: chr1-237792138-C-T. GRCh37 (hg19) VCF-style: chr1-237955438-C-T.
Other names: short protein forms L4533F.
Identifiers: ClinVar variation 1770753 (VCV001770753.8), dbSNP rs760283753, ClinGen allele CA39832212.